The following is an entry in ClinVar:

NM_130468.4(CHST14):c.842C>T (p.Pro281Leu)

Gene: CHST14 (carbohydrate sulfotransferase 14; plus strand). Cytogenetic location: 15q15.1.
Variant type: single nucleotide variant.
Coding change: c.842C>T on transcript NM_130468.4 (MANE Select); coding-DNA position 842, C replaced by T.
Protein change: p.Pro281Leu; replaces proline 281 with leucine.
Molecular consequence: missense variant.
Genome position (GRCh38, 1-based): chr15:40,472,055, C>T. VCF-style: chr15-40472055-C-T. GRCh37 (hg19) VCF-style: chr15-40764254-C-T.
Other names: short protein forms P281L.
Identifiers: ClinVar variation 2340 (VCV000002340.2), dbSNP rs267606729, ClinGen allele CA281526.

ClinVar aggregate classification (germline): Pathogenic. Review status: criteria provided, single submitter (1 of 4 stars). 2 submissions from 2 submitters: Pathogenic (1). 1 of the submissions does not count toward it. Last evaluated 2019-10-23.

Conditions:
Ehlers-Danlos syndrome, musculocontractural type 1. Identifiers: MedGen CN295219, MONDO:0020681, OMIM 601776.
Ehlers-Danlos syndrome, musculocontractural type (EDSMC). Also called: ADDUCTED THUMB-CLUBFOOT SYNDROME; ARTHROGRYPOSIS, DISTAL, WITH PECULIAR FACIES AND HYDRONEPHROSIS; Adducted thumb, clubfoot, progressive joint and skin laxity syndrome; DUNDAR SYNDROME. Identifiers: Orphanet 2953, MedGen C1866294, MONDO:0011142.

Allele frequency attached by ClinVar (database versions not stated): gnomAD 0.00001; gnomAD exomes 0.00002.
gnomAD v4.1: 12 of 1,614,152 alleles (0.00074%); highest among the groups gnomAD compares: East Asian, 0.027%; no homozygotes.

Submissions (2):

Women's Health and Genetics/Laboratory Corporation of America, LabCorp
Classification: Pathogenic for Ehlers-Danlos syndrome, musculocontractural type. Last evaluated: 2019-10-23. Review status: criteria provided, single submitter. Criteria: LabCorp Variant Classification Summary - May 2015. Collection method: clinical testing. Allele origin: germline.
Comment: Variant summary: CHST14 c.842C>T (p.Pro281Leu) results in a non-conservative amino acid change in the encoded protein sequence. Five of five in-silico tools predict a damaging effect of the variant on protein function. The variant was absent in 251432 control chromosomes (gnomAD), however, it was reported in healthy Japanese individuals with an allele frequency of 0.0014 (in the jMorp database). The variant, c.842C>T, has also been reported in the literature in multiple homozygous and compound heterozygous individuals of Japanese ancestry who were affected with Ehlers-Danlos syndrome, musculocontractural type. These data indicate that the variant is very likely to be associated with disease. At least one publication reports experimental evidence evaluating an impact on protein function. The most pronounced variant effect results in about 15% of normal activity (Miyake_2010). No clinical diagnostic laboratories have submitted clinical-significance assessments for this variant to ClinVar after 2014. Based on the evidence outlined above, the variant was classified as pathogenic.

OMIM
Classification: Pathogenic for EHLERS-DANLOS SYNDROME, MUSCULOCONTRACTURAL TYPE, 1. Last evaluated: 2010-08-01. Review status: no assertion criteria provided. Collection method: literature only. Allele origin: germline. Not counted in ClinVar's aggregate classification.

Literature cited by the submitters: PubMed 26925854 (cited by Women's Health and Genetics/Laboratory Corporation of America, LabCorp); PubMed 20533528 (cited by Women's Health and Genetics/Laboratory Corporation of America, LabCorp and OMIM); PubMed 28238810 (cited by Women's Health and Genetics/Laboratory Corporation of America, LabCorp); PubMed 26872206 (cited by Women's Health and Genetics/Laboratory Corporation of America, LabCorp); PubMed 21744491 (cited by Women's Health and Genetics/Laboratory Corporation of America, LabCorp); PubMed 16158441 (cited by OMIM); PubMed 20503305 (cited by OMIM); PubMed 12508273 (cited by OMIM).